The following is an entry in ClinVar:

ClinVar aggregate classification (germline): Conflicting classifications of pathogenicity. Review status: criteria provided, conflicting classifications (1 of 4 stars). 5 submissions from 5 submitters: Uncertain significance (3); Likely benign (2). Last evaluated 2025-12-22.

Conditions:
Cardiovascular phenotype. Identifiers: MedGen CN230736.
Arrhythmogenic right ventricular cardiomyopathy (ARVD). Also called: Arrhythmogenic cardiomyopathy; Arrhythmogenic Right Ventricular Cardiomyopathy (ARVC); Cardiomyopathy, ARVC; Arrhythmogenic right ventricular dysplasia. Identifiers: Orphanet 247, MedGen C0349788, MeSH D019571, MONDO:0016587. Disease mechanism: loss of function. Inheritance: Various modes of inheritance.
Cardiomyopathy (CMYO). Also called: Cardiomyopathies. Identifiers: Orphanet 167848, MedGen C0878544, MONDO:0004994, HP:0001638. Inheritance: Various modes of inheritance.
Arrhythmogenic right ventricular dysplasia 10. Also called: Arrhythmogenic right ventricular dysplasia/cardiomyopathy, type 10; Arrhythmogenic Right Ventricular Dysplasia/Cardiomyopathy10; ARRHYTHMOGENIC RIGHT VENTRICULAR DYSPLASIA, FAMILIAL, 10. Identifiers: MedGen C1857777, MONDO:0012434, OMIM 610193.

Allele frequency attached by ClinVar (database versions not stated): gnomAD exomes 0.00001 and 0.00002; ExAC 0.00002; gnomAD 0.00005 and 0.00006; TOPMed 0.00009; ESP Exome Variant Server 0.00017.
gnomAD v4.1: 19 of 1,612,228 alleles (0.0012%); highest among the groups gnomAD compares: African/African-American, 0.024%; no homozygotes.

Submissions (5):

Labcorp Genetics (formerly Invitae), Labcorp
Classification: Uncertain significance for Arrhythmogenic right ventricular dysplasia 10. Last evaluated: 2025-12-22. Review status: criteria provided, single submitter. Criteria: Invitae Variant Classification Sherloc (09022015). Collection method: clinical testing. Allele origin: germline.
Comment: This sequence change replaces leucine, which is neutral and non-polar, with phenylalanine, which is neutral and non-polar, at codon 171 of the DSG2 protein (p.Leu171Phe). This variant is present in population databases (rs199926617, gnomAD 0.03%). This variant has not been reported in the literature in individuals affected with DSG2-related conditions. ClinVar contains an entry for this variant (Variation ID: 577605). Invitae Evidence Modeling of protein sequence and biophysical properties (such as structural, functional, and spatial information, amino acid conservation, physicochemical variation, residue mobility, and thermodynamic stability) has been performed for this missense variant. However, the output from this modeling did not meet the statistical confidence thresholds required to predict the impact of this variant on DSG2 protein function. In summary, the available evidence is currently insufficient to determine the role of this variant in disease. Therefore, it has been classified as a Variant of Uncertain Significance.

Color Diagnostics, LLC DBA Color Health
Classification: Likely benign for Cardiomyopathy. Last evaluated: 2025-06-24. Review status: criteria provided, single submitter. Criteria: ACMG Guidelines, 2015. Collection method: clinical testing. Allele origin: germline.

All of Us Research Program, National Institutes of Health
Classification: Uncertain significance for Arrhythmogenic right ventricular cardiomyopathy. Last evaluated: 2024-01-11. Review status: criteria provided, single submitter. Criteria: ACMG Guidelines, 2015. Collection method: clinical testing. Allele origin: germline. Inheritance: Autosomal dominant inheritance. Observed: 4 variant alleles, 4 heterozygotes.
Comment: This missense variant replaces leucine with phenylalanine at codon 171 of the DSG2 protein. Computational prediction suggests that this variant may not impact protein structure and function (internally defined REVEL score threshold <= 0.5, PMID: 27666373). Splice site prediction tools suggest that this variant may not impact RNA splicing. To our knowledge, functional studies have not been performed for this variant. This variant has not been reported in individuals affected with cardiovascular disorders in the literature. This variant has been identified in 7/279630 chromosomes in the general population by the Genome Aggregation Database (gnomAD). The available evidence is insufficient to determine the role of this variant in disease conclusively. Therefore, this variant is classified as a Variant of Uncertain Significance.

This study involves interpretation of variants in research participants for the purpose of population health screening. Participant phenotype was not available at the time of variant classification. Additional details can be found in publication PMID: 35346344, PMCID: PMC8962531

Ambry Genetics
Classification: Likely benign for Cardiovascular phenotype. Last evaluated: 2021-11-16. Review status: criteria provided, single submitter. Criteria: Ambry Variant Classification Scheme 2023. Collection method: clinical testing. Allele origin: germline.

Women's Health and Genetics/Laboratory Corporation of America, LabCorp
Classification: Uncertain significance. Last evaluated: 2019-11-25. Review status: criteria provided, single submitter. Criteria: LabCorp Variant Classification Summary - May 2015. Collection method: clinical testing. Allele origin: germline.
Comment: Variant summary: DSG2 c.513G>T (p.Leu171Phe) results in a non-conservative amino acid change located in the second cadherin repeat (IPR002126) of the encoded protein sequence. Three of five in-silico tools predict a damaging effect of the variant on protein function. The variant allele was found at a frequency of 2.4e-05 in 248796 control chromosomes (gnomAD). The available data on variant occurrences in the general population are insufficient to allow any conclusion about variant significance. This report does not provide an unequivocal conclusion about association of the variant with Cardiomyopathy. To our knowledge, no experimental evidence demonstrating an impact on protein function has been reported. A ClinVar submission (evaluation after 2014) cites the variant as uncertain significance. Based on the evidence outlined above, the variant was classified as uncertain significance.

Literature cited by the submitters: PubMed 30533233 (cited by Women's Health and Genetics/Laboratory Corporation of America, LabCorp).

NM_001943.5(DSG2):c.513G>T (p.Leu171Phe)

Gene: DSG2 (desmoglein 2; plus strand). Cytogenetic location: 18q12.1.
Variant type: single nucleotide variant.
Coding change: c.513G>T on transcript NM_001943.5 (MANE Select); coding-DNA position 513, G replaced by T.
Protein change: p.Leu171Phe; replaces leucine 171 with phenylalanine.
Molecular consequence: missense variant.
Genome position (GRCh38, 1-based): chr18:31,521,233, G>T. VCF-style: chr18-31521233-G-T. GRCh37 (hg19) VCF-style: chr18-29101196-G-T.
Other names: c.513G>T (LRG_397t1); short protein forms L171F.
Identifiers: ClinVar variation 577605 (VCV000577605.16), dbSNP rs199926617, ClinGen allele CA049080.